The following is an entry in ClinVar:

NM_000327.4(ROM1):c.339del (p.Leu114fs)

Gene: ROM1 (retinal outer segment membrane protein 1; plus strand). Cytogenetic location: 11q12.3.
Variant type: Deletion.
Coding change: c.339del on transcript NM_000327.4 (MANE Select); coding-DNA position 339, one base deleted (G; older notation c.339delG).
Protein change: p.Leu114fs; shifts the reading frame from leucine 114.
Molecular consequence: frameshift variant.
Genome position (GRCh38, 1-based): chr11:62,613,620, G deleted; the last of 9 consecutive G bases (chr11:62,613,612-62,613,620); deleting any one gives the same sequence. VCF-style (leftmost placement, unchanged base first): chr11-62613611-TG-T. GRCh37 (hg19) VCF-style: chr11-62381083-TG-T.
Other names: c.339delG (NM_000327.3); short protein forms L114fs.
Identifiers: ClinVar variation 960408 (VCV000960408.13), dbSNP rs71458427, ClinGen allele CA6049704.

ClinVar aggregate classification (germline): Uncertain significance. Review status: criteria provided, multiple submitters, no conflicts (2 of 4 stars). 5 submissions from 5 submitters: Uncertain significance (5). Last evaluated 2026-02-24.

Conditions:
ROM1-related disorder. Also called: ROM1-related condition.
Retinal dystrophy. Also called: Inherited retinal dystrophy. Identifiers: Orphanet 71862, MedGen C0854723, MeSH D058499, MONDO:0019118, HP:0000556.
Retinitis pigmentosa 7 (RP7). Identifiers: Orphanet 791, MedGen C1842475, MONDO:0011974, OMIM 608133.

Submissions (5):

PreventionGenetics, part of Exact Sciences
Classification: Uncertain significance for ROM1-related condition. Last evaluated: 2026-02-24. Review status: criteria provided, single submitter. Criteria: ACMG Guidelines, 2015. Collection method: clinical testing. Allele origin: germline.
Comment: The ROM1 c.339delG variant is predicted to result in a frameshift and premature protein termination (p.Leu114Serfs*8). This variant has been reported in individuals with cone-rod dystrophy or inherited retinal disease (see for example: Boulanger-Scemama et al. 2015. PubMed ID: 26103963; Gao et al. 2019. PubMed ID: 31054281; Table S2, Zernant et al. 2022. PubMed ID: 35353811). This variant is reported in 0.11% of alleles in individuals of East Asian descent in gnomAD, which may be too frequent to be a primary cause of disease. At this time, the clinical significance of this variant is uncertain due to the absence of conclusive functional and genetic evidence.

Labcorp Genetics (formerly Invitae), Labcorp
Classification: Uncertain significance. Last evaluated: 2025-10-22. Review status: criteria provided, single submitter. Criteria: Invitae Variant Classification Sherloc (09022015). Collection method: clinical testing. Allele origin: germline.
Comment: This sequence change creates a premature translational stop signal (p.Leu114Serfs*8) in the ROM1 gene. It is expected to result in an absent or disrupted protein product. However, the current clinical and genetic evidence is not sufficient to establish whether loss-of-function variants in ROM1 cause disease. The frequency data for this variant in the population databases is considered unreliable, as metrics indicate poor data quality at this position in the gnomAD database. This premature translational stop signal has been observed in individual(s) with retinal dystrophy (PMID: 26103963, 31054281). ClinVar contains an entry for this variant (Variation ID: 960408). In summary, the available evidence is currently insufficient to determine the role of this variant in disease. Therefore, it has been classified as a Variant of Uncertain Significance.

Blueprint Genetics
Classification: Uncertain significance. Last evaluated: 2024-11-25. Review status: criteria provided, single submitter. Criteria: ACMG Guidelines, 2015. Collection method: clinical testing. Allele origin: germline.

Institute of Human Genetics, Univ. Regensburg, Univ. Regensburg
Classification: Uncertain significance for Retinal dystrophy. Last evaluated: 2022-01-01. Review status: criteria provided, single submitter. Criteria: ACMG Guidelines, 2015. Collection method: clinical testing. Allele origin: germline. Affected: yes.

Revvity Omics, Revvity
Classification: Uncertain significance for Retinitis pigmentosa 7. Last evaluated: 2020-03-11. Review status: criteria provided, single submitter. Criteria: ACMG Guidelines, 2015. Collection method: clinical testing. Allele origin: germline.

Literature cited by the submitters: PubMed 26103963 (cited by Labcorp Genetics (formerly Invitae), Labcorp and Institute of Human Genetics, Univ. Regensburg, Univ. Regensburg); PubMed 31054281 (cited by Labcorp Genetics (formerly Invitae), Labcorp and Institute of Human Genetics, Univ. Regensburg, Univ. Regensburg); PubMed 29155698 (cited by Institute of Human Genetics, Univ. Regensburg, Univ. Regensburg); PubMed 35353811 (cited by Institute of Human Genetics, Univ. Regensburg, Univ. Regensburg).